The following is an entry in ClinVar:

NM_000214.3(JAG1):c.983_984insGGTCCTGCCCTGAGG (p.Tyr328Ter)

Gene: JAG1 (jagged canonical Notch ligand 1; minus strand). Cytogenetic location: 20p12.2.
Variant type: Insertion.
Coding change: c.983_984insGGTCCTGCCCTGAGG on transcript NM_000214.3 (MANE Select); coding-DNA positions 983 to 984, GGTCCTGCCCTGAGG inserted.
Protein change: p.Tyr328Ter; replaces tyrosine 328 with a stop codon.
Molecular consequence: nonsense.
Genome position: GRCh38 VCF-style: chr20-10652153-A-ACCTCAGGGCAGGACC. GRCh37 (hg19) VCF-style: chr20-10632801-A-ACCTCAGGGCAGGACC.
Other names: short protein forms Y328*.
Identifiers: ClinVar variation 2860239 (VCV002860239.3), dbSNP rs2514521287, ClinGen allele CA2739277059.

ClinVar aggregate classification (germline): Pathogenic (1 of 4 stars; one submission).

Conditions:
Alagille syndrome due to a JAG1 point mutation. Also called: HEPATIC DUCTULAR HYPOPLASIA, SYNDROMATIC; JAG1-Related Alagille Syndrome; Alagille Syndrome 1. Identifiers: Orphanet 261619, Orphanet 52, MedGen C1956125, MONDO:0016862, OMIM 118450.

Submission:

Labcorp Genetics (formerly Invitae), Labcorp
Classification: Pathogenic for Alagille syndrome due to a JAG1 point mutation. Last evaluated: 2023-04-28. Review status: criteria provided, single submitter. Criteria: Invitae Variant Classification Sherloc (09022015). Collection method: clinical testing. Allele origin: germline.
Comment: For these reasons, this variant has been classified as Pathogenic. This variant has not been reported in the literature in individuals affected with JAG1-related conditions. This variant is not present in population databases (gnomAD no frequency). This sequence change creates a premature translational stop signal (p.Tyr328*) in the JAG1 gene. It is expected to result in an absent or disrupted protein product. Loss-of-function variants in JAG1 are known to be pathogenic (PMID: 11180599).

Literature cited by the submitters: PubMed 11180599.